The following is an entry in ClinVar:

ClinVar aggregate classification (germline): Pathogenic. Review status: criteria provided, multiple submitters, no conflicts (2 of 4 stars). 14 submissions from 14 submitters: Pathogenic (14). Last evaluated 2026-08-06.

Conditions:
Inborn genetic diseases. Identifiers: MedGen C0950123, MeSH D030342.
Tyrosinase-positive oculocutaneous albinism (OCA2). Also called: ALBINISM II; Albinism, oculocutaneous, type II; Oculocutaneous albinism type 2. Identifiers: Orphanet 79432, MedGen C0268495, MONDO:0008746, OMIM 203200.
SKIN/HAIR/EYE PIGMENTATION 1, BLUE/NONBLUE EYES (SHEP1). Also called: BROWN EYE COLOR 2; SKIN/HAIR/EYE PIGMENTATION 1, BLOND/BROWN HAIR; SKIN/HAIR/EYE PIGMENTATION 1, BLUE/BROWN EYES; EYE COLOR 3; EYE COLOR, BLUE/NONBLUE; EYE COLOR, BROWN/BLUE. Identifiers: MedGen C1856895, OMIM 227220.
OCA2-related disorder. Also called: OCA2-related condition.

Allele frequency attached by ClinVar (database versions not stated): gnomAD exomes 0.00002 and 0.00005; ExAC 0.00009; gnomAD 0.00013 and 0.00014; TOPMed 0.00019; 1000 Genomes Project 30x 0.00031; ESP Exome Variant Server 0.00031; 1000 Genomes Project 0.00040.
gnomAD v4.1: 44 of 1,613,806 alleles (0.0027%); highest among the groups gnomAD compares: African/African-American, 0.052%; no homozygotes.

Submissions (14):

OLLIN Analises Genomicas, OLLIN
Classification: Pathogenic for Tyrosinase-positive oculocutaneous albinism. Last evaluated: 2026-08-06. Review status: criteria provided, single submitter. Criteria: ACMG Guidelines 2015 PMID 25741868. Collection method: clinical testing. Allele origin: germline. Inheritance: Autosomal recessive inheritance.
Comment: This variant, located at the canonical splicing site (splice donor), has been reported in ClinVar (accession VCV000436099.47), in gnomAD with an allele frequency of 0.0027%, and in the scientific literature in individuals with OCA2 related disorders (PMID: 28976636, 31077556). This variant is predicted to disrupt a canonical splice site, potentially leading to exon skipping, mRNA degradation via nonsense-mediated decay (NMD), or production of a truncated protein. Another pathogenic variant has been reported to result in the same amino acid substitution (PMID: 28976636, 31077556). According to the currently available evidence, this variant has been classified as pathogenic (PVS1, PS1_P, PS4_P, PM2_P).

Ambry Genetics
Classification: Pathogenic for Inborn genetic diseases. Last evaluated: 2026-03-03. Review status: criteria provided, single submitter. Criteria: Ambry Variant Classification Scheme 2023. Collection method: clinical testing. Allele origin: germline.
Comment: The c.1182+1G>A intronic alteration consists of a G to A substitution one nucleotide after exon 11 (coding exon 10) of the OCA2 gene. Alterations that disrupt the canonical splice site are expected to result in aberrant splicing. A resulting transcript is predicted to be in-frame and is not expected to trigger nonsense-mediated mRNA decay, although direct evidence is unavailable. Based on data from gnomAD, the A allele has an overall frequency of 0.006% (16/282684) total alleles studied. The highest observed frequency was 0.056% (14/24932) of African alleles. This variant has been identified in the homozygous state and/or in conjunction with other OCA2 variant(s) in individual(s) with features consistent with OCA2-related oculocutaneous albinism (Marti, 2018; Zhong, 2019; Wei, 2022). This nucleotide position is highly conserved in available vertebrate species. In silico splice site analysis predicts that this alteration will weaken the native splice donor site and will result in the creation or strengthening of a novel splice donor site. Based on the available evidence, this alteration is classified as pathogenic.

Labcorp Genetics (formerly Invitae), Labcorp
Classification: Pathogenic. Last evaluated: 2026-01-26. Review status: criteria provided, single submitter. Criteria: Invitae Variant Classification Sherloc (09022015). Collection method: clinical testing. Allele origin: germline.
Comment: This sequence change affects a donor splice site in intron 11 of the OCA2 gene. It is expected to disrupt RNA splicing. Variants that disrupt the donor or acceptor splice site typically lead to a loss of protein function (PMID: 16199547), and loss-of-function variants in OCA2 are known to be pathogenic (PMID: 19865097, 21541274). This variant is present in population databases (rs371963034, gnomAD 0.06%). Disruption of this splice site has been observed in individuals with oculocutaneous albinism (PMID: 28976636, 31077556). ClinVar contains an entry for this variant (Variation ID: 436099). Algorithms developed to predict the effect of sequence changes on RNA splicing suggest that this variant may disrupt the consensus splice site. For these reasons, this variant has been classified as Pathogenic.

PreventionGenetics, part of Exact Sciences
Classification: Pathogenic for OCA2-related condition. Last evaluated: 2026-01-20. Review status: criteria provided, single submitter. Criteria: ACMG Guidelines, 2015. Collection method: clinical testing. Allele origin: germline.
Comment: The OCA2 c.1182+1G>A variant is predicted to disrupt the GT donor site and interfere with normal splicing. This variant has been reported in the homozygous and compound heterozygous states in individuals with oculocutaneous albinism (Marti et al. 2018. PubMed ID: 28976636; Zhong et al. 2019. PubMed ID: 31077556). This variant is present in 0.056% of alleles in individuals of African descent in gnomAD. Variants that disrupt the consensus splice donor site in OCA2 are expected to be pathogenic, and this variant has been classified as pathogenic by multiple independent submitters to the ClinVar database (Variation ID: 436099). Given all the evidence, we interpret c.1182+1G>A as pathogenic.

CeGaT Center for Human Genetics Tuebingen
Classification: Pathogenic. Last evaluated: 2024-05-01. Review status: criteria provided, single submitter. Criteria: CeGaT Center For Human Genetics Tuebingen Variant Classification Criteria Version 2. Collection method: clinical testing. Allele origin: germline. Affected: yes. Observed: 1 variant allele.
Comment: OCA2: PM3:Very Strong, PVS1:Strong, PM2

Baylor Genetics
Classification: Pathogenic for SKIN/HAIR/EYE PIGMENTATION 1, BLUE/NONBLUE EYES. Last evaluated: 2024-03-07. Review status: criteria provided, single submitter. Criteria: ACMG Guidelines, 2015. Collection method: clinical testing. Allele origin: unknown.

Fulgent Genetics
Classification: Pathogenic for Tyrosinase-positive oculocutaneous albinism; SKIN/HAIR/EYE PIGMENTATION 1, BLUE/NONBLUE EYES. Last evaluated: 2024-02-06. Review status: criteria provided, single submitter. Criteria: ACMG Guidelines, 2015. Collection method: clinical testing. Allele origin: germline.

Blueprint Genetics
Classification: Pathogenic for OCA2-related disorders. Last evaluated: 2023-08-07. Review status: criteria provided, single submitter. Criteria: ACMG Guidelines, 2015. Collection method: clinical testing. Allele origin: germline. Affected: yes. Observed: 5 variant alleles.

GeneDx
Classification: Pathogenic. Last evaluated: 2023-04-13. Review status: criteria provided, single submitter. Criteria: GeneDx Variant Classification Process June 2021. Collection method: clinical testing. Allele origin: germline. Affected: yes.
Comment: Canonical splice site variant predicted to result in an in-frame deletion of exon 11; Deletions involving coding exons in this gene are frequently reported as pathogenic, regardless of frame prediction (HGMD); This variant is associated with the following publications: (PMID: 25525159, 28976636, 31196117, 31229681, 34838614, 31077556, 21458243)

MGZ Medical Genetics Center
Classification: Pathogenic for Tyrosinase-positive oculocutaneous albinism. Last evaluated: 2022-07-12. Review status: criteria provided, single submitter. Criteria: ACMG Guidelines, 2015. Collection method: clinical testing. Allele origin: germline. Affected: yes. Observed: 2 variant alleles.
Comment: ACMG criteria applied: PVS1, PM3, PS4_SUP, PM2_SUP, PP4

Genome-Nilou Lab
Classification: Pathogenic for Tyrosinase-positive oculocutaneous albinism. Last evaluated: 2021-11-07. Review status: criteria provided, single submitter. Criteria: ACMG Guidelines, 2015. Collection method: clinical testing. Allele origin: germline. Affected: no.

Revvity Omics, Revvity
Classification: Pathogenic. Last evaluated: 2019-08-14. Review status: criteria provided, single submitter. Criteria: ACMG Guidelines, 2015. Collection method: clinical testing. Allele origin: germline.

Genetic Services Laboratory, University of Chicago
Classification: Pathogenic for Albinism, oculocutaneous, type II. Last evaluated: 2017-04-14. Review status: criteria provided, single submitter. Criteria: ACMG Guidelines, 2015. Collection method: clinical testing. Allele origin: germline. Affected: yes.

Juno Genomics, Hangzhou Juno Genomics, Inc
Classification: Pathogenic for Tyrosinase-positive oculocutaneous albinism. Review status: criteria provided, single submitter. Criteria: ACMG Guidelines, 2015. Collection method: clinical testing. Allele origin: germline. Affected: yes.
Comment: Null variant in a gene where loss of function (LOF) is a known mechanism of disease.;Absent from controls (or at extremely low frequency if recessive) in Genome Aggregation Database, Exome Sequencing Project, 1000 Genomes Project, or Exome Aggregation Consortium.;For recessive disorders, detected in trans with a pathogenic variant.;Patient's phenotype or family history is highly specific for a disease with a single genetic etiology.

Literature cited by the submitters: PubMed 28976636 (cited by 3 submitters); PubMed 31077556 (cited by 3 submitters); PubMed 34838614 (cited by Ambry Genetics); PubMed 16199547 (cited by Labcorp Genetics (formerly Invitae), Labcorp); PubMed 19865097 (cited by Labcorp Genetics (formerly Invitae), Labcorp); PubMed 21541274 (cited by Labcorp Genetics (formerly Invitae), Labcorp).

NM_000275.3(OCA2):c.1182+1G>A

Gene: OCA2 (OCA2 melanosomal transmembrane protein; minus strand). Cytogenetic location: 15q13.1.
Variant type: single nucleotide variant.
Coding change: c.1182+1G>A on transcript NM_000275.3 (MANE Select); the canonical splice donor site of the intron after coding-DNA position 1182, G replaced by A.
Molecular consequence: splice donor variant.
Genome position (GRCh38, 1-based): chr15:27,989,600, C>T on the plus strand (G>A on the coding strand, the complement: OCA2 is on the minus strand). VCF-style: chr15-27989600-C-T. GRCh37 (hg19) VCF-style: chr15-28234746-C-T.
Other names: c.1110+1G>A (NM_001300984.2).
Identifiers: ClinVar variation 436099 (VCV000436099.50), dbSNP rs371963034, ClinGen allele CA7439180.